The following is an entry in ClinVar:

NM_001130438.3(SPTAN1):c.3161G>C (p.Arg1054Pro)

Gene: SPTAN1 (spectrin alpha, non-erythrocytic 1; plus strand). Cytogenetic location: 9q34.11.
Variant type: single nucleotide variant.
Coding change: c.3161G>C on transcript NM_001130438.3 (MANE Select); coding-DNA position 3161, G replaced by C.
Protein change: p.Arg1054Pro; replaces arginine 1054 with proline.
Molecular consequence: missense variant. On other transcripts: intron variant (3).
Genome position (GRCh38, 1-based): chr9:128,592,988, G>C. VCF-style: chr9-128592988-G-C. GRCh37 (hg19) VCF-style: chr9-131355267-G-C.
Other names: c.3161G>C, p.Arg1054Pro (NM_001363759.2, NM_001375310.1, NM_001375311.2 and 2 more transcripts); c.3197G>C, p.Arg1066Pro (NM_001375312.2, NM_001375318.1); c.3156-1187G>C (NM_001375314.2, NM_001363765.2, NM_001195532.2); short protein forms R1066P, R1054P.
Identifiers: ClinVar variation 1964739 (VCV001964739.5), dbSNP rs561564501, ClinGen allele CA5264867.

ClinVar aggregate classification (germline): Uncertain significance (1 of 4 stars; one submission).

Conditions:
Early-infantile DEE. Also called: Early infantile epileptic encephalopathy; Ohtahara syndrome; Early infantile epileptic encephalopathy with suppression bursts. Identifiers: Orphanet 1934, MedGen C0393706, MONDO:0800491.

gnomAD v4.1: 4 of 1,607,312 alleles (0.00025%); highest among the groups gnomAD compares: Admixed American, 0.0051%; no homozygotes.

Submission:

Labcorp Genetics (formerly Invitae), Labcorp
Classification: Uncertain significance for Early-infantile DEE. Last evaluated: 2022-11-08. Review status: criteria provided, single submitter. Criteria: Invitae Variant Classification Sherloc (09022015). Collection method: clinical testing. Allele origin: germline.
Comment: In summary, the available evidence is currently insufficient to determine the role of this variant in disease. Therefore, it has been classified as a Variant of Uncertain Significance. Algorithms developed to predict the effect of missense changes on protein structure and function (SIFT, PolyPhen-2, Align-GVGD) all suggest that this variant is likely to be tolerated. This variant has not been reported in the literature in individuals affected with SPTAN1-related conditions. This variant is present in population databases (rs561564501, gnomAD 0.009%). This sequence change replaces arginine, which is basic and polar, with proline, which is neutral and non-polar, at codon 1054 of the SPTAN1 protein (p.Arg1054Pro).